The following is an entry in ClinVar:

NM_001369.3(DNAH5):c.12558C>A (p.Tyr4186Ter)

Gene: DNAH5 (dynein axonemal heavy chain 5; minus strand). Cytogenetic location: 5p15.2.
Variant type: single nucleotide variant.
Coding change: c.12558C>A on transcript NM_001369.3 (MANE Select); coding-DNA position 12558, C replaced by A.
Protein change: p.Tyr4186Ter; replaces tyrosine 4186 with a stop codon.
Molecular consequence: nonsense.
Genome position (GRCh38, 1-based): chr5:13,717,462, G>T on the plus strand (C>A on the coding strand, the complement: DNAH5 is on the minus strand). VCF-style: chr5-13717462-G-T. GRCh37 (hg19) VCF-style: chr5-13717571-G-T.
Other names: short protein forms Y4186*.
Identifiers: ClinVar variation 4814857 (VCV004814857.2).
Genomic context (GRCh38, chr5:13,717,462, plus strand): 5'-CCACCCCAGGGCACCGAACTTGCGCCTCTCCTGGACAGTGGAGTGCAGGAAAGCCACTGC[G>T]TACAGCATGGGCTTCCACTGGGACCCAGAGCTCACGTCCAGCAGGTCTTGGCTGACACCT-3'

ClinVar aggregate classification (germline): Likely pathogenic (1 of 4 stars; one submission).

Conditions:
Primary ciliary dyskinesia. Also called: Ciliary dyskinesia. Identifiers: Orphanet 244, MedGen C0008780, MONDO:0016575, HP:0012265.

gnomAD v4.1: 1 of 1,614,046 alleles (0.000062%); highest among the groups gnomAD compares: African/African-American, 0.0013%; no homozygotes.

Submission:

Natera, Inc.
Classification: Likely pathogenic for Primary ciliary dyskinesia. Last evaluated: 2024-09-18. Review status: criteria provided, single submitter. Criteria: Natera Variant Classification Schema (03/2026). Collection method: clinical testing. Allele origin: germline.
Comment: The c.12558C>A variant in DNAH5 is a nonsense variant predicted to introduce a stop codon at amino acid 4186. This variant is expected to result in nonsense mediated decay, truncation, or a dysfunctional protein product. This variant is rare in the general population with a frequency below the threshold expected for the associated phenotype(s). Given the available evidence, this variant is classified as Likely Pathogenic.